The following is an entry in ClinVar:

ClinVar aggregate classification (germline): Pathogenic/Likely pathogenic. Review status: criteria provided, multiple submitters, no conflicts (2 of 4 stars). 4 submissions from 4 submitters: Pathogenic (2); Likely pathogenic (1). 1 of the submissions does not count toward it. Last evaluated 2026-08-01.

Conditions:
Alport syndrome. Also called: Hemorrhagic familial nephritis; Hemorrhagic hereditary nephritis; Congenital hereditary hematuria. Identifiers: Orphanet 63, MedGen C1567741, MONDO:0018965.

Submissions (4):

CeGaT Center for Human Genetics Tuebingen
Classification: Pathogenic. Last evaluated: 2026-08-01. Review status: criteria provided, single submitter. Criteria: CeGaT Center For Human Genetics Tuebingen Variant Classification Criteria Version 2. Collection method: clinical testing. Allele origin: germline. Affected: yes. Observed: 2 variant alleles.
Comment: COL4A3: PVS1, PM2, PM3

Labcorp Genetics (formerly Invitae), Labcorp
Classification: Pathogenic. Last evaluated: 2023-06-15. Review status: criteria provided, single submitter. Criteria: Invitae Variant Classification Sherloc (09022015). Collection method: clinical testing. Allele origin: germline.
Comment: This sequence change creates a premature translational stop signal (p.Glu647Argfs*45) in the COL4A3 gene. It is expected to result in an absent or disrupted protein product. Loss-of-function variants in COL4A3 are known to be pathogenic (PMID: 8956999, 24854265, 26809805, 27281700). This variant is present in population databases (rs758444182, gnomAD 0.0009%). This premature translational stop signal has been observed in individual(s) with autosomal recessive Alport syndrome (PMID: 24052634). In at least one individual the data is consistent with being in trans (on the opposite chromosome) from a pathogenic variant. Algorithms developed to predict the effect of sequence changes on RNA splicing suggest that this variant may disrupt the consensus splice site. For these reasons, this variant has been classified as Pathogenic. ClinVar contains an entry for this variant (Variation ID: 949881).

Revvity Omics, Revvity
Classification: Likely pathogenic. Last evaluated: 2021-06-07. Review status: criteria provided, single submitter. Criteria: ACMG Guidelines, 2015. Collection method: clinical testing. Allele origin: germline.

Natera, Inc.
Classification: Pathogenic for Alport syndrome. Last evaluated: 2020-11-16. Review status: no assertion criteria provided. Collection method: clinical testing. Allele origin: germline. Not counted in ClinVar's aggregate classification.

Literature cited by the submitters: PubMed 8956999 (cited by Labcorp Genetics (formerly Invitae), Labcorp); PubMed 24854265 (cited by Labcorp Genetics (formerly Invitae), Labcorp); PubMed 26809805 (cited by Labcorp Genetics (formerly Invitae), Labcorp); PubMed 27281700 (cited by Labcorp Genetics (formerly Invitae), Labcorp); PubMed 24052634 (cited by Labcorp Genetics (formerly Invitae), Labcorp).

NM_000091.5(COL4A3):c.1937dup (p.Glu647fs)

Genes: COL4A3 (collagen type IV alpha 3 chain; plus strand), MFF-DT (MFF divergent transcript; minus strand). Cytogenetic location: 2q36.3.
Variant type: Duplication.
Coding change: c.1937dup on transcript NM_000091.5 (MANE Select); coding-DNA position 1937, one base duplicated (G; older notation c.1937dupG).
Protein change: p.Glu647fs; shifts the reading frame from glutamic acid 647.
Molecular consequence: frameshift variant.
Genome position (GRCh38, 1-based): chr2:227,276,394, G duplicated; the last of 4 consecutive G bases (chr2:227,276,391-227,276,394); duplicating any one gives the same sequence. VCF-style (leftmost placement, unchanged base first): chr2-227276390-A-AG. GRCh37 (hg19) VCF-style: chr2-228141106-A-AG.
Other names: short protein forms E647fs.
Identifiers: ClinVar variation 949881 (VCV000949881.20), dbSNP rs758444182, ClinGen allele CA2146810.
Genomic context (GRCh38, chr2:227,276,390, plus strand): 5'-GTCTAAGACAAGCTTCAATATATACCCCAATCTTATGACCACAAATTTCCTTAAGGCCCT[A>AG]GGGGAGAGCTCAGTGTTTCAACACCAGTTCCAGGCCCACCAGGACCTCCAGGGCCCCCTG-3'